The following is an entry in ClinVar:

ClinVar aggregate classification (germline): Pathogenic (1 of 4 stars; one submission).

Conditions:
Spastic paraplegia. Identifiers: MedGen C0037772, HP:0001258.

Allele frequency attached by ClinVar (database versions not stated): gnomAD exomes below 0.00001.
gnomAD v4.1: 1 of 1,613,686 alleles (0.000062%); highest among the groups gnomAD compares: Non-Finnish European, 0.000085%; no homozygotes.

Submissions (2):

Labcorp Genetics (formerly Invitae), Labcorp
Classification: Pathogenic for Spastic paraplegia. Last evaluated: 2023-01-11. Review status: criteria provided, single submitter. Criteria: Invitae Variant Classification Sherloc (09022015). Collection method: clinical testing. Allele origin: germline.
Comment: For these reasons, this variant has been classified as Pathogenic. Algorithms developed to predict the effect of sequence changes on RNA splicing suggest that this variant may disrupt the consensus splice site. Disruption of this splice site has been observed in individuals with hereditary spastic paraplegia (PMID: 21462267; Invitae). It has also been observed to segregate with disease in related individuals. This variant is not present in population databases (gnomAD no frequency). This sequence change affects a donor splice site in intron 29 of the ZFYVE26 gene. It is expected to disrupt RNA splicing. Variants that disrupt the donor or acceptor splice site typically lead to a loss of protein function (PMID: 16199547), and loss-of-function variants in ZFYVE26 are known to be pathogenic (PMID: 18394578, 19805727).

Dr. Peter K. Rogan Lab, Western University
No classification provided (evidence only). Condition: Ovarian serous cystadenocarcinoma. Review status: no classification provided. Collection method: in vitro. Allele origin: not applicable. Functional consequence: retained intron. Not counted in ClinVar's aggregate classification.

Literature cited by the submitters: PubMed 21462267 (cited by Labcorp Genetics (formerly Invitae), Labcorp); PubMed 16199547 (cited by Labcorp Genetics (formerly Invitae), Labcorp); PubMed 18394578 (cited by Labcorp Genetics (formerly Invitae), Labcorp); PubMed 19805727 (cited by Labcorp Genetics (formerly Invitae), Labcorp).

NM_015346.4(ZFYVE26):c.5621+2T>G

Gene: ZFYVE26 (zinc finger FYVE-type containing 26; minus strand). Cytogenetic location: 14q24.1.
Variant type: single nucleotide variant.
Coding change: c.5621+2T>G on transcript NM_015346.4 (MANE Select); the canonical splice donor site of the intron after coding-DNA position 5621, T replaced by G.
Molecular consequence: splice donor variant.
Genome position (GRCh38, 1-based): chr14:67,769,592, A>C on the plus strand (T>G on the coding strand, the complement: ZFYVE26 is on the minus strand). VCF-style: chr14-67769592-A-C. GRCh37 (hg19) VCF-style: chr14-68236309-A-C.
Identifiers: ClinVar variation 2827673 (VCV002827673.4), dbSNP rs2502765764, ClinGen allele CA390166885.
Genomic context (GRCh38, chr14:67,769,592, plus strand): 5'-TAGGGACCTGCGGAAGGGTGCAGCGGTCAATAATAGCAACAGCCCTGCTGTAGGACACTC[A>C]CTCTTTGTTGCAGTAACTATAGCACTGATCACACACACGAGCAGGGTTCTCTCTGCAGCC-3'